The following is an entry in ClinVar:

ClinVar aggregate classification (germline): Uncertain significance (1 of 4 stars; one submission).

gnomAD v4.1: 3 of 1,569,604 alleles (0.00019%); highest among the groups gnomAD compares: Non-Finnish European, 0.00026%; no homozygotes.

Submission:

Labcorp Genetics (formerly Invitae), Labcorp
Classification: Uncertain significance. Last evaluated: 2023-12-21. Review status: criteria provided, single submitter. Criteria: Invitae Variant Classification Sherloc (09022015). Collection method: clinical testing. Allele origin: germline.
Comment: This sequence change replaces glutamine, which is neutral and polar, with histidine, which is basic and polar, at codon 244 of the EPHB4 protein (p.Gln244His). This variant is not present in population databases (gnomAD no frequency). This variant has not been reported in the literature in individuals affected with EPHB4-related conditions. Advanced modeling of protein sequence and biophysical properties (such as structural, functional, and spatial information, amino acid conservation, physicochemical variation, residue mobility, and thermodynamic stability) performed at Invitae indicates that this missense variant is not expected to disrupt EPHB4 protein function with a negative predictive value of 80%. In summary, the available evidence is currently insufficient to determine the role of this variant in disease. Therefore, it has been classified as a Variant of Uncertain Significance.

NM_004444.5(EPHB4):c.732G>C (p.Gln244His)

Gene: EPHB4 (EPH receptor B4; minus strand). Cytogenetic location: 7q22.1.
Variant type: single nucleotide variant.
Coding change: c.732G>C on transcript NM_004444.5 (MANE Select); coding-DNA position 732, G replaced by C.
Protein change: p.Gln244His; replaces glutamine 244 with histidine.
Molecular consequence: missense variant.
Genome position (GRCh38, 1-based): chr7:100,822,347, C>G on the plus strand (G>C on the coding strand, the complement: EPHB4 is on the minus strand). VCF-style: chr7-100822347-C-G. GRCh37 (hg19) VCF-style: chr7-100419969-C-G.
Other names: short protein forms Q244H.
Identifiers: ClinVar variation 2836116 (VCV002836116.3), dbSNP rs1265771722, ClinGen allele CA368580045.